The following is an entry in ClinVar:

NM_014975.3(MAST1):c.1408C>A (p.Pro470Thr)

Gene: MAST1 (microtubule associated serine/threonine kinase 1; plus strand). Cytogenetic location: 19p13.13.
Variant type: single nucleotide variant.
Coding change: c.1408C>A on transcript NM_014975.3 (MANE Select); coding-DNA position 1408, C replaced by A.
Protein change: p.Pro470Thr; replaces proline 470 with threonine.
Molecular consequence: missense variant.
Genome position (GRCh38, 1-based): chr19:12,864,850, C>A. VCF-style: chr19-12864850-C-A. GRCh37 (hg19) VCF-style: chr19-12975664-C-A.
Other names: short protein forms P470T.
Identifiers: ClinVar variation 4074453 (VCV004074453.1).

ClinVar aggregate classification (germline): Uncertain significance (1 of 4 stars; one submission).

Submission:

GeneDx
Classification: Uncertain significance. Last evaluated: 2025-02-11. Review status: criteria provided, single submitter. Criteria: GeneDx Variant Classification Process June 2021. Collection method: clinical testing. Allele origin: germline. Affected: yes.
Comment: Not observed at significant frequency in large population cohorts (gnomAD); In silico analysis supports that this missense variant has a deleterious effect on protein structure/function; Has not been previously published as pathogenic or benign to our knowledge